The following is an entry in ClinVar:

ClinVar aggregate classification (germline): Uncertain significance. Review status: criteria provided, multiple submitters, no conflicts (2 of 4 stars). 2 submissions from 2 submitters: Uncertain significance (2). Last evaluated 2025-01-30.

Conditions:
Hereditary cancer-predisposing syndrome. Also called: Tumor predisposition; Hereditary neoplastic syndrome; Neoplastic Syndromes, Hereditary; Hereditary Cancer Syndrome. Identifiers: Orphanet 140162, MedGen C0027672, MeSH D009386, MONDO:0015356.

Submissions (2):

Labcorp Genetics (formerly Invitae), Labcorp
Classification: Uncertain significance. Last evaluated: 2025-01-30. Review status: criteria provided, single submitter. Criteria: Invitae Variant Classification Sherloc (09022015). Collection method: clinical testing. Allele origin: germline.
Comment: This sequence change replaces serine, which is neutral and polar, with glycine, which is neutral and non-polar, at codon 744 of the CTNNA1 protein (p.Ser744Gly). This variant is not present in population databases (gnomAD no frequency). This variant has not been reported in the literature in individuals affected with CTNNA1-related conditions. ClinVar contains an entry for this variant (Variation ID: 1496010). Invitae Evidence Modeling of protein sequence and biophysical properties (such as structural, functional, and spatial information, amino acid conservation, physicochemical variation, residue mobility, and thermodynamic stability) indicates that this missense variant is not expected to disrupt CTNNA1 protein function with a negative predictive value of 80%. In summary, the available evidence is currently insufficient to determine the role of this variant in disease. Therefore, it has been classified as a Variant of Uncertain Significance.

Ambry Genetics
Classification: Uncertain significance for Hereditary cancer-predisposing syndrome. Last evaluated: 2024-01-24. Review status: criteria provided, single submitter. Criteria: Ambry Variant Classification Scheme 2023. Collection method: clinical testing. Allele origin: germline.
Comment: The p.S744G variant (also known as c.2230A>G), located in coding exon 15 of the CTNNA1 gene, results from an A to G substitution at nucleotide position 2230. The serine at codon 744 is replaced by glycine, an amino acid with similar properties. This amino acid position is conserved. In addition, this alteration is predicted to be tolerated by in silico analysis. Based on the available evidence, the clinical significance of this alteration remains unclear.

NM_001903.5(CTNNA1):c.2230A>G (p.Ser744Gly)

Gene: CTNNA1 (catenin alpha 1; plus strand). Cytogenetic location: 5q31.2.
Variant type: single nucleotide variant.
Coding change: c.2230A>G on transcript NM_001903.5 (MANE Select); coding-DNA position 2230, A replaced by G.
Protein change: p.Ser744Gly; replaces serine 744 with glycine.
Molecular consequence: missense variant.
Genome position (GRCh38, 1-based): chr5:138,930,867, A>G. VCF-style: chr5-138930867-A-G. GRCh37 (hg19) VCF-style: chr5-138266556-A-G.
Other names: c.1120A>G, p.Ser374Gly (NM_001323990.1, NM_001323991.1, NM_001323992.1 and 17 more transcripts); c.2230A>G (NM_001903.2); c.2230A>G, p.Ser744Gly (NM_001290307.3, NM_001323982.2, NM_001323983.1 and 2 more transcripts); c.1921A>G, p.Ser641Gly (NM_001290309.3); c.1861A>G, p.Ser621Gly (NM_001290310.3); c.2137A>G, p.Ser713Gly (NM_001323986.2); c.781A>G, p.Ser261Gly (NM_001324006.1, NM_001324007.1, NM_001324008.1 and 2 more transcripts); c.1027A>G, p.Ser343Gly (NM_001324011.1); and 1 more; short protein forms S374G, S293G, S343G, S261G, S621G, S641G, S713G, S744G.
Identifiers: ClinVar variation 1496010 (VCV001496010.9), dbSNP rs2150337132, ClinGen allele CA361133826.